The following is an entry in ClinVar:

NM_020937.4(FANCM):c.4387-5_4387-3del

Gene: FANCM (FA complementation group M; plus strand). Cytogenetic location: 14q21.2.
Variant type: Microsatellite.
Coding change: c.4387-5_4387-3del on transcript NM_020937.4 (MANE Select); 5 bases into the intron before coding-DNA position 4387 through 3 bases into the intron before coding-DNA position 4387, 3 bases deleted (TAT; older notation c.4387-5_4387-3delTAT).
Molecular consequence: intron variant.
Genome position (GRCh38, 1-based): chr14:45,183,769-45,183,771, TAT deleted; deleting any 3 consecutive bases within chr14:45,183,764-45,183,771 gives the same sequence; the c. name uses the placement nearest the transcript's 3' end. VCF-style (leftmost placement, unchanged base first): chr14-45183763-AATT-A. GRCh37 (hg19) VCF-style: chr14-45652966-AATT-A.
Other names: c.4387-5_4387-3delTAT (NM_020937.2); c.4309-5_4309-3del (NM_001308133.2).
Identifiers: ClinVar variation 652471 (VCV000652471.10), dbSNP rs1566775466, ClinGen allele CA613828337.

ClinVar aggregate classification (germline): Uncertain significance (1 of 4 stars; one submission).

Conditions:
Fanconi anemia (FA). Also called: Fanconi's anemia. Identifiers: Orphanet 84, MedGen C0015625, MeSH D005199, MONDO:0019391.

Submission:

Labcorp Genetics (formerly Invitae), Labcorp
Classification: Uncertain significance for Fanconi anemia. Last evaluated: 2023-07-07. Review status: criteria provided, single submitter. Criteria: Invitae Variant Classification Sherloc (09022015). Collection method: clinical testing. Allele origin: germline.
Comment: This variant has not been reported in the literature in individuals affected with FANCM-related conditions. In summary, the available evidence is currently insufficient to determine the role of this variant in disease. Therefore, it has been classified as a Variant of Uncertain Significance. Variants that disrupt the consensus splice site are a relatively common cause of aberrant splicing (PMID: 17576681, 9536098). Algorithms developed to predict the effect of sequence changes on RNA splicing suggest that this variant may disrupt the consensus splice site. ClinVar contains an entry for this variant (Variation ID: 652471). This variant is present in population databases (no rsID available, gnomAD 0.0009%). This sequence change falls in intron 16 of the FANCM gene. It does not directly change the encoded amino acid sequence of the FANCM protein. It affects a nucleotide within the consensus splice site.

Literature cited by the submitters: PubMed 17576681; PubMed 9536098.